The following is an entry in ClinVar:

ClinVar aggregate classification (germline): Likely benign. Review status: criteria provided, multiple submitters, no conflicts (2 of 4 stars). 3 submissions from 3 submitters: Likely benign (3). Last evaluated 2025-11-11.

Conditions:
Cardiovascular phenotype. Identifiers: MedGen CN230736.

Allele frequency attached by ClinVar (database versions not stated): ExAC 0.00001; gnomAD 0.00001; TOPMed 0.00002; gnomAD exomes 0.00003.
gnomAD v4.1: 20 of 1,613,880 alleles (0.0012%); highest among the groups gnomAD compares: Non-Finnish European, 0.0017%; no homozygotes.

Submissions (3):

Labcorp Genetics (formerly Invitae), Labcorp
Classification: Likely benign. Last evaluated: 2025-11-11. Review status: criteria provided, single submitter. Criteria: Invitae Variant Classification Sherloc (09022015). Collection method: clinical testing. Allele origin: germline.

Mayo Clinic Laboratories, Mayo Clinic
Classification: Likely benign. Last evaluated: 2025-08-05. Review status: criteria provided, single submitter. Criteria: ACMG Guidelines, 2015. Collection method: clinical testing. Allele origin: germline. Observed: 1 variant allele.
Comment: BP4, BP7

Ambry Genetics
Classification: Likely benign for Cardiovascular phenotype. Last evaluated: 2022-10-02. Review status: criteria provided, single submitter. Criteria: Ambry Variant Classification Scheme 2023. Collection method: clinical testing. Allele origin: germline.

NM_022437.3(ABCG8):c.1263G>A (p.Gly421=)

Gene: ABCG8 (ATP binding cassette subfamily G member 8; plus strand). Cytogenetic location: 2p21.
Variant type: single nucleotide variant.
Coding change: c.1263G>A on transcript NM_022437.3 (MANE Select); coding-DNA position 1263, G replaced by A.
Protein change: p.Gly421=; no amino-acid change (glycine 421 retained).
Molecular consequence: synonymous variant.
Genome position (GRCh38, 1-based): chr2:43,873,838, G>A. VCF-style: chr2-43873838-G-A. GRCh37 (hg19) VCF-style: chr2-44100977-G-A.
Other names: p.Gly421=; c.1260G>A, p.Gly420= (NM_001357321.2).
Identifiers: ClinVar variation 1763637 (VCV001763637.4), dbSNP rs770520098, ClinGen allele CA1637380.
Genomic context (GRCh38, chr2:43,873,838, plus strand): 5'-GTTTTTAAGTCGTCAGATTTCCAACGACTTCCGAGACCTGCCCACCCTCCTCATCCATGG[G>A]GCGGAGGCCTGTCTGATGTCAATGACCATCGGCTTCCTCTATTTTGGCCATGGGAGCATC-3'
Protein context (NP_071882.1, residues 411-431): FRDLPTLLIH[Gly421=]AEACLMSMTI